The following is an entry in ClinVar:

ClinVar aggregate classification (germline): Uncertain significance (1 of 4 stars; one submission).

Submission:

Labcorp Genetics (formerly Invitae), Labcorp
Classification: Uncertain significance. Last evaluated: 2022-05-27. Review status: criteria provided, single submitter. Criteria: Invitae Variant Classification Sherloc (09022015). Collection method: clinical testing. Allele origin: germline.
Comment: This variant has not been reported in the literature in individuals affected with GRIN2D-related conditions. In summary, the available evidence is currently insufficient to determine the role of this variant in disease. Therefore, it has been classified as a Variant of Uncertain Significance. Algorithms developed to predict the effect of missense changes on protein structure and function are either unavailable or do not agree on the potential impact of this missense change (SIFT: "Tolerated"; PolyPhen-2: "Probably Damaging"; Align-GVGD: "Class C0"). This sequence change replaces proline, which is neutral and non-polar, with leucine, which is neutral and non-polar, at codon 425 of the GRIN2D protein (p.Pro425Leu). This variant is not present in population databases (gnomAD no frequency).

NM_000836.4(GRIN2D):c.1274C>T (p.Pro425Leu)

Gene: GRIN2D (glutamate ionotropic receptor NMDA type subunit 2D; plus strand). Cytogenetic location: 19q13.33.
Variant type: single nucleotide variant.
Coding change: c.1274C>T on transcript NM_000836.4 (MANE Select); coding-DNA position 1274, C replaced by T.
Protein change: p.Pro425Leu; replaces proline 425 with leucine.
Molecular consequence: missense variant.
Genome position (GRCh38, 1-based): chr19:48,414,446, C>T. VCF-style: chr19-48414446-C-T. GRCh37 (hg19) VCF-style: chr19-48917703-C-T.
Other names: short protein forms P425L.
Identifiers: ClinVar variation 1999591 (VCV001999591.4), dbSNP rs2513671100, ClinGen allele CA406695223.